The following is an entry in ClinVar:

NM_199420.4(POLQ):c.2476A>G (p.Ile826Val)

Gene: POLQ (DNA polymerase theta; minus strand). Cytogenetic location: 3q13.33.
Variant type: single nucleotide variant.
Coding change: c.2476A>G on transcript NM_199420.4 (MANE Select); coding-DNA position 2476, A replaced by G.
Protein change: p.Ile826Val; replaces isoleucine 826 with valine.
Molecular consequence: missense variant.
Genome position (GRCh38, 1-based): chr3:121,493,524, T>C on the plus strand (A>G on the coding strand, the complement: POLQ is on the minus strand). VCF-style: chr3-121493524-T-C. GRCh37 (hg19) VCF-style: chr3-121212371-T-C.
Other names: short protein forms I826V.
Identifiers: ClinVar variation 1791837 (VCV001791837.2), dbSNP rs2546790654, ClinGen allele CA354107422.

ClinVar aggregate classification (germline): Uncertain significance (1 of 4 stars; one submission).

Submission:

Ambry Genetics
Classification: Uncertain significance. Last evaluated: 2024-02-22. Review status: criteria provided, single submitter. Criteria: Ambry Variant Classification Scheme 2023. Collection method: clinical testing. Allele origin: germline.
Comment: The p.I826V variant (also known as c.2476A>G), located in coding exon 15 of the POLQ gene, results from an A to G substitution at nucleotide position 2476. The isoleucine at codon 826 is replaced by valine, an amino acid with highly similar properties. This amino acid position is conserved. In addition, this alteration is predicted to be tolerated by in silico analysis. Since supporting evidence is limited at this time, the clinical significance of this alteration remains unclear.